The following is an entry in ClinVar:

ClinVar aggregate classification (germline): Benign/Likely benign. Review status: criteria provided, multiple submitters, no conflicts (2 of 4 stars). 25 submissions from 25 submitters: Benign (16); Likely benign (1). 8 of the submissions do not count toward it. Last evaluated 2026-02-04.

Conditions:
Breast and/or ovarian cancer. Identifiers: MedGen CN221562.
Hereditary cancer-predisposing syndrome. Also called: Tumor predisposition; Hereditary neoplastic syndrome; Hereditary Cancer Syndrome; Neoplastic Syndromes, Hereditary. Identifiers: Orphanet 140162, MedGen C0027672, MeSH D009386, MONDO:0015356.
Hereditary breast ovarian cancer syndrome. Also called: Hereditary breast and ovarian cancer; Hereditary breast and/or ovarian cancer syndrome; BRCA1- and BRCA2-Associated Hereditary Breast and Ovarian Cancer; Hereditary breast and ovarian cancer syndrome (HBOC); Hereditary breast and ovarian cancer syndrome; Breast and ovarian cancer. Identifiers: Orphanet 145, MedGen C0677776, MeSH D061325, MONDO:0003582. Disease mechanism: loss of function.
Familial cancer of breast. Also called: Hereditary breast cancer; hereditary breast carcinoma; BREAST CANCER, FAMILIAL. Identifiers: Orphanet 227535, MedGen C0346153, MONDO:0016419, OMIM 114480. Disease mechanism: loss of function.
Ataxia-telangiectasia syndrome (AT). Also called: ATAXIA-TELANGIECTASIA, COMPLEMENTATION GROUP A; ATAXIA-TELANGIECTASIA, FRESNO VARIANT; Ataxia-telangiectasia; Ataxia-telangiectasia, complementation group D; AT, COMPLEMENTATION GROUP C; Ataxia-telangiectasia, complementation group E. Identifiers: Orphanet 100, MedGen C0004135, MONDO:0008840, OMIM 208900.
Malignant tumor of breast. Also called: Cancer breast; Malignant breast neoplasm. Identifiers: MedGen C0006142, MONDO:0007254. Disease mechanism: loss of function.

Allele frequency attached by ClinVar (database versions not stated): gnomAD exomes 0.00143 and 0.00387; ExAC 0.00509; gnomAD 0.01437 and 0.01543; TOPMed 0.01680; ESP Exome Variant Server 0.01746; 1000 Genomes Project 0.01837; 1000 Genomes Project 30x 0.01921.
gnomAD v4.1: 4,370 of 1,611,262 alleles (0.27%); highest among the groups gnomAD compares: African/African-American, 4.9%; 107 homozygotes.

Submissions (25):

Labcorp Genetics (formerly Invitae), Labcorp
Classification: Benign for Ataxia-telangiectasia syndrome. Last evaluated: 2026-02-04. Review status: criteria provided, single submitter. Criteria: Invitae Variant Classification Sherloc (09022015). Collection method: clinical testing. Allele origin: germline.

ARUP Laboratories, Molecular Genetics and Genomics, ARUP Laboratories
Classification: Benign. Last evaluated: 2025-07-07. Review status: criteria provided, single submitter. Criteria: ARUP Molecular Germline Variant Investigation Process 2024. Collection method: clinical testing. Allele origin: germline.

Center for Genomic Medicine, Rigshospitalet, Copenhagen University Hospital
Classification: Benign. Last evaluated: 2025-03-04. Review status: criteria provided, single submitter. Criteria: ACMG Guidelines, 2015. Collection method: clinical testing. Allele origin: germline.

Myriad Genetics, Inc.
Classification: Benign for Familial cancer of breast. Last evaluated: 2024-05-07. Review status: criteria provided, single submitter. Criteria: Myriad Autosomal Dominant, Autosomal Recessive and X-Linked Classification Criteria (2023). Collection method: clinical testing. Allele origin: unknown.
Comment: This variant is considered benign. This variant is a silent/synonymous amino acid change and it is not expected to impact splicing.

Mayo Clinic Laboratories, Mayo Clinic
Classification: Benign. Last evaluated: 2023-09-22. Review status: criteria provided, single submitter. Criteria: ACMG Guidelines, 2015. Collection method: clinical testing. Allele origin: germline. Observed: 16 variant alleles.

KCCC/NGS Laboratory, Kuwait Cancer Control Center
Classification: Benign for Familial cancer of breast. Last evaluated: 2023-07-07. Review status: criteria provided, single submitter. Criteria: ACMG Guidelines, 2015. Collection method: clinical testing. Allele origin: germline. Affected: yes.

CeGaT Center for Human Genetics Tuebingen
Classification: Likely benign. Last evaluated: 2023-02-01. Review status: criteria provided, single submitter. Criteria: CeGaT Center For Human Genetics Tuebingen Variant Classification Criteria Version 2. Collection method: clinical testing. Allele origin: germline. Affected: yes. Observed: 3 variant alleles.
Comment: ATM: BP4, BP7

National Health Laboratory Service, Universitas Academic Hospital and University of the Free State
Classification: Benign for Hereditary breast ovarian cancer syndrome. Last evaluated: 2022-04-19. Review status: criteria provided, single submitter. Criteria: ACMG Guidelines, 2015. Collection method: clinical testing. Allele origin: germline. Affected: yes. Observed: 11 variant alleles.

CHEO Genetics Diagnostic Laboratory, Children's Hospital of Eastern Ontario
Classification: Benign for Breast and/or ovarian cancer. Last evaluated: 2021-07-02. Review status: criteria provided, single submitter. Criteria: ACMG Guidelines, 2015. Collection method: clinical testing. Allele origin: germline.

Sema4
Classification: Benign for Hereditary cancer-predisposing syndrome. Last evaluated: 2020-03-22. Review status: criteria provided, single submitter. Criteria: Sema4 Curation Guidelines. Collection method: curation. Allele origin: germline.

Athena Diagnostics
Classification: Benign. Last evaluated: 2018-05-30. Review status: criteria provided, single submitter. Criteria: Athena Diagnostics Criteria. Collection method: clinical testing. Allele origin: germline.

Illumina Laboratory Services, Illumina
Classification: Benign for Ataxia-telangiectasia syndrome. Last evaluated: 2018-01-13. Review status: criteria provided, single submitter. Criteria: ICSL Variant Classification Criteria 13 December 2019. Collection method: clinical testing. Allele origin: germline.
Comment: This variant was observed in the ICSL laboratory as part of a predisposition screen in an ostensibly healthy population. It had not been previously curated by ICSL or reported in the Human Gene Mutation Database (HGMD: prior to June 1st, 2018), and was therefore a candidate for classification through an automated scoring system. Utilizing variant allele frequency, disease prevalence and penetrance estimates, and inheritance mode, an automated score was calculated to assess if this variant is too frequent to cause the disease. Based on the score and internal cut-off values, a variant classified as benign is not then subjected to further curation. The score for this variant resulted in a classification of benign for this disease.

PreventionGenetics, part of Exact Sciences
Classification: Benign. Last evaluated: 2015-09-14. Review status: criteria provided, single submitter. Criteria: ACMG Guidelines, 2015. Collection method: clinical testing. Allele origin: germline.

Color Diagnostics, LLC DBA Color Health
Classification: Benign for Hereditary cancer-predisposing syndrome. Last evaluated: 2015-04-08. Review status: criteria provided, single submitter. Criteria: ACMG Guidelines, 2015. Collection method: clinical testing. Allele origin: germline.

GeneDx
Classification: Benign. Last evaluated: 2015-03-03. Review status: criteria provided, single submitter. Criteria: GeneDx Variant Classification Process June 2021. Collection method: clinical testing. Allele origin: germline. Affected: yes.

Ambry Genetics
Classification: Benign for Hereditary cancer-predisposing syndrome. Last evaluated: 2014-11-25. Review status: criteria provided, single submitter. Criteria: Ambry Variant Classification Scheme 2023. Collection method: clinical testing. Allele origin: germline.

Breakthrough Genomics
Classification: Benign. Review status: criteria provided, single submitter. Criteria: ACMG Guidelines, 2015. Collection method: not provided. Allele origin: germline. Inheritance: Autosomal recessive inheritance. Affected: yes.

Natera, Inc.
Classification: Benign for Ataxia-telangiectasia. Last evaluated: 2020-09-16. Review status: no assertion criteria provided. Collection method: clinical testing. Allele origin: germline. Not counted in ClinVar's aggregate classification.

True Health Diagnostics
Classification: Likely benign for Hereditary cancer-predisposing syndrome. Last evaluated: 2018-06-18. Review status: no assertion criteria provided. Collection method: clinical testing. Allele origin: germline. Not counted in ClinVar's aggregate classification.

Clinical Genetics Laboratory, Department of Pathology, Netherlands Cancer Institute
Classification: Benign. Review status: no assertion criteria provided. Collection method: clinical testing. Allele origin: germline. Affected: yes. Study: VKGL Data-share Consensus. Not counted in ClinVar's aggregate classification.

Clinical Genetics, Academic Medical Center
Classification: Benign. Review status: no assertion criteria provided. Collection method: clinical testing. Allele origin: germline. Affected: yes. Study: VKGL Data-share Consensus. Not counted in ClinVar's aggregate classification.

Department of Pathology and Laboratory Medicine, Sinai Health System
Classification: Benign for Malignant tumor of breast. Review status: no assertion criteria provided. Collection method: clinical testing. Allele origin: unknown. Affected: yes. Observed: 1 variant allele. Study: The Canadian Open Genetics Repository (COGR). Not counted in ClinVar's aggregate classification.
Comment: The ATM p.Tyr731Tyr variant was identified in 3 of 712 proband chromosomes (frequency: 0.004) from individuals or families with breast cancer or leukemia (Mangone 2015, Gumy Pause 2003, Dâˆšâˆ‚rk 2001). The variant was also identified in dbSNP (ID: rs2229019) as "With other allele", in ClinVar (classified as 2x benign, 1x likely benign), Clinvitae (classified as 1x benign, 1x conflicting interpretations of pathogenicity), and Cosmic (1x as neutral). The variant was not identified in the MutDB, LOVD 3.0, or ATM-LOVD databases. The variant was identified in control databases in 1336 of 276956 (35 homozygous) chromosomes at a frequency of 0.005 increasing the likelihood this could be a low frequency benign variant (Genome Aggregation Consortium Feb 27, 2017). The variant was identified in the following populations at a frequency greater than 1%: African in 1213 of 24022 chromosomes (freq: 0.05). The p.Tyr731Tyr variant is not expected to have clinical significance because it does not result in a change of amino acid and is not located in a known consensus splice site. In addition, in silico or computational prediction software programs (SpliceSiteFinder, MaxEntScan, NNSPLICE, GeneSplicer, HumanSpliceFinder) do not predict a difference in splicing. In summary, based on the above information this variant meets our laboratory's criteria to be classified as benign.

Genome Diagnostics Laboratory, University Medical Center Utrecht
Classification: Benign. Review status: no assertion criteria provided. Collection method: clinical testing. Allele origin: germline. Affected: yes. Study: VKGL Data-share Consensus. Not counted in ClinVar's aggregate classification.

Joint Genome Diagnostic Labs from Nijmegen and Maastricht, Radboudumc and MUMC+
Classification: Benign. Review status: no assertion criteria provided. Collection method: clinical testing. Allele origin: germline. Affected: yes. Study: VKGL Data-share Consensus. Not counted in ClinVar's aggregate classification.

Laboratory of Diagnostic Genome Analysis, Leiden University Medical Center (LUMC)
Classification: Benign. Review status: no assertion criteria provided. Collection method: clinical testing. Allele origin: germline. Affected: yes. Study: VKGL Data-share Consensus. Not counted in ClinVar's aggregate classification.

NM_000051.4(ATM):c.2193C>T (p.Tyr731=)

Gene: ATM (ATM serine/threonine kinase; plus strand). Cytogenetic location: 11q22.3.
Variant type: single nucleotide variant.
Coding change: c.2193C>T on transcript NM_000051.4 (MANE Select); coding-DNA position 2193, C replaced by T.
Protein change: p.Tyr731=; no amino-acid change (tyrosine 731 retained).
Molecular consequence: synonymous variant.
Genome position (GRCh38, 1-based): chr11:108,256,283, C>T. VCF-style: chr11-108256283-C-T. GRCh37 (hg19) VCF-style: chr11-108127010-C-T.
Other names: NP_000042.3:p.Tyr731=; p.Tyr731=; c.2193C>T, p.Tyr731= (NM_001351834.2).
Identifiers: ClinVar variation 140761 (VCV000140761.71), dbSNP rs2229019, ClinGen allele CA163509.